The following is an entry in ClinVar:

ClinVar aggregate classification (germline): Uncertain significance (1 of 4 stars; one submission).

Conditions:
Type 2 diabetes mellitus. Also called: Type II diabetes mellitus. Identifiers: MedGen C0011860, MeSH D003924, MONDO:0005148, OMIM 125853, HP:0005978.

Submission:

Baylor Genetics
Classification: Uncertain significance for Type 2 diabetes mellitus. Last evaluated: 2020-08-01. Review status: criteria provided, single submitter. Criteria: ACMG Guidelines, 2015. Collection method: clinical testing. Allele origin: unknown. Affected: yes.
Comment: This variant was determined to be of uncertain significance according to ACMG Guidelines, 2015 [PMID:25741868].

NM_000340.2(SLC2A2):c.76T>C (p.Tyr26His)

Gene: SLC2A2 (solute carrier family 2 member 2; minus strand). Cytogenetic location: 3q26.2.
Variant type: single nucleotide variant.
Coding change: c.76T>C on transcript NM_000340.2 (MANE Select); coding-DNA position 76, T replaced by C.
Protein change: p.Tyr26His; replaces tyrosine 26 with histidine.
Molecular consequence: missense variant. On other transcripts: 5 prime UTR variant (2).
Genome position (GRCh38, 1-based): chr3:171,018,563, A>G on the plus strand (T>C on the coding strand, the complement: SLC2A2 is on the minus strand). VCF-style: chr3-171018563-A-G. GRCh37 (hg19) VCF-style: chr3-170736352-A-G.
Other names: c.-19T>C (NM_001278658.2); c.-319T>C (NM_001278659.2); short protein forms Y26H.
Identifiers: ClinVar variation 1028206 (VCV001028206.1), dbSNP rs1716265568, ClinGen allele CA355480625.